The following is an entry in ClinVar:

NM_004336.5(BUB1):c.1058A>G (p.Lys353Arg)

Gene: BUB1 (BUB1 mitotic checkpoint serine/threonine kinase; minus strand). Cytogenetic location: 2q13.
Variant type: single nucleotide variant.
Coding change: c.1058A>G on transcript NM_004336.5 (MANE Select); coding-DNA position 1058, A replaced by G.
Protein change: p.Lys353Arg; replaces lysine 353 with arginine.
Molecular consequence: missense variant.
Genome position (GRCh38, 1-based): chr2:110,661,741, T>C on the plus strand (A>G on the coding strand, the complement: BUB1 is on the minus strand). VCF-style: chr2-110661741-T-C. GRCh37 (hg19) VCF-style: chr2-111419318-T-C.
Other names: c.998A>G, p.Lys333Arg (NM_001278616.2); c.1058A>G, p.Lys353Arg (NM_001278617.2); short protein forms K333R, K353R.
Identifiers: ClinVar variation 1779116 (VCV001779116.2), dbSNP rs2468017535, ClinGen allele CA348214499.

ClinVar aggregate classification (germline): Uncertain significance (1 of 4 stars; one submission).

Submission:

Ambry Genetics
Classification: Uncertain significance. Last evaluated: 2022-04-26. Review status: criteria provided, single submitter. Criteria: Ambry Variant Classification Scheme 2023. Collection method: clinical testing. Allele origin: germline.
Comment: The p.K353R variant (also known as c.1058A>G), located in coding exon 10 of the BUB1 gene, results from an A to G substitution at nucleotide position 1058. The lysine at codon 353 is replaced by arginine, an amino acid with highly similar properties. This amino acid position is conserved. In addition, this alteration is predicted to be tolerated by in silico analysis. Since supporting evidence is limited at this time, the clinical significance of this alteration remains unclear.